The following is an entry in ClinVar:

NM_021044.4(DHH):c.151G>A (p.Gly51Ser)

Genes: DHH (desert hedgehog signaling molecule; minus strand), DHH-AS1 (DHH antisense RNA 1; plus strand). Cytogenetic location: 12q13.12.
Variant type: single nucleotide variant.
Coding change: c.151G>A on transcript NM_021044.4 (MANE Select); coding-DNA position 151, G replaced by A.
Protein change: p.Gly51Ser; replaces glycine 51 with serine.
Molecular consequence: missense variant.
Genome position (GRCh38, 1-based): chr12:49,094,362, C>T on the plus strand (G>A on the coding strand, the complement: DHH is on the minus strand). VCF-style: chr12-49094362-C-T. GRCh37 (hg19) VCF-style: chr12-49488145-C-T.
Other names: short protein forms G51S.
Identifiers: ClinVar variation 2037300 (VCV002037300.4), dbSNP rs776863896, ClinGen allele CA6549248.
Genomic context (GRCh38, chr12:49,094,362, plus strand): 5'-AGCCCCTTGCCACCCTCCCCTCCGCTGGCCCACTGGCGCCCAGGGTCCGCTCTGGCACGC[C>T]GGGCACAAATTGCTTGTAGAGTAGCGGCACGAGCTGCTTGCGCGCATAGCGGCGCCGGCC-3'
Protein context (NP_066382.1, residues 41-61): VPLLYKQFVP[Gly51Ser]VPERTLGASG

ClinVar aggregate classification (germline): Uncertain significance (1 of 4 stars; one submission).

Conditions:
46,XY sex reversal 7. Also called: GONADAL DYSGENESIS, XY, MALE-LIMITED; DHH-Related 46,XY complete gonadal dysgenesis; 46,XY SEX REVERSAL, PARTIAL OR COMPLETE, DHH-RELATED; 46,XY GONADAL DYSGENESIS, PARTIAL OR COMPLETE, DHH-RELATED. Identifiers: Orphanet 242, MedGen C1856273, MONDO:0009301, OMIM 233420.

Allele frequency attached by ClinVar (database versions not stated): ExAC 0.00002; gnomAD 0.00001; gnomAD exomes 0.00001; TOPMed below 0.00001.

Submission:

Labcorp Genetics (formerly Invitae), Labcorp
Classification: Uncertain significance for 46,XY sex reversal 7. Last evaluated: 2022-02-03. Review status: criteria provided, single submitter. Criteria: Invitae Variant Classification Sherloc (09022015). Collection method: clinical testing. Allele origin: germline.
Comment: In summary, the available evidence is currently insufficient to determine the role of this variant in disease. Therefore, it has been classified as a Variant of Uncertain Significance. Algorithms developed to predict the effect of sequence changes on RNA splicing suggest that this variant may create or strengthen a splice site. Algorithms developed to predict the effect of missense changes on protein structure and function output the following: SIFT: "Tolerated"; PolyPhen-2: "Benign"; Align-GVGD: "Class C0". The serine amino acid residue is found in multiple mammalian species, which suggests that this missense change does not adversely affect protein function. This variant has not been reported in the literature in individuals affected with DHH-related conditions. This variant is present in population databases (rs776863896, gnomAD 0.01%). This sequence change replaces glycine, which is neutral and non-polar, with serine, which is neutral and polar, at codon 51 of the DHH protein (p.Gly51Ser).